The following is an entry in ClinVar:

NM_005732.4(RAD50):c.94A>C (p.Thr32Pro)

Gene: RAD50 (RAD50 double strand break repair protein; plus strand). Cytogenetic location: 5q31.1.
Variant type: single nucleotide variant.
Coding change: c.94A>C on transcript NM_005732.4 (MANE Select); coding-DNA position 94, A replaced by C.
Protein change: p.Thr32Pro; replaces threonine 32 with proline.
Molecular consequence: missense variant.
Genome position (GRCh38, 1-based): chr5:132,557,418, A>C. VCF-style: chr5-132557418-A-C. GRCh37 (hg19) VCF-style: chr5-131893110-A-C.
Other names: short protein forms T32P.
Identifiers: ClinVar variation 1511777 (VCV001511777.6), dbSNP rs1554096651, ClinGen allele CA360951585.

ClinVar aggregate classification (germline): Uncertain significance (1 of 4 stars; one submission).

Conditions:
Hereditary cancer-predisposing syndrome. Also called: Hereditary neoplastic syndrome; Neoplastic Syndromes, Hereditary; Tumor predisposition; Hereditary Cancer Syndrome. Identifiers: Orphanet 140162, MedGen C0027672, MeSH D009386, MONDO:0015356.

Allele frequency attached by ClinVar (database versions not stated): gnomAD 0.00001.
gnomAD v4.1: 1 of 1,614,034 alleles (0.000062%); highest among the groups gnomAD compares: Admixed American, 0.0017%; no homozygotes.

Submission:

Labcorp Genetics (formerly Invitae), Labcorp
Classification: Uncertain significance for Hereditary cancer-predisposing syndrome. Last evaluated: 2021-08-11. Review status: criteria provided, single submitter. Criteria: Invitae Variant Classification Sherloc (09022015). Collection method: clinical testing. Allele origin: germline.
Comment: In summary, the available evidence is currently insufficient to determine the role of this variant in disease. Therefore, it has been classified as a Variant of Uncertain Significance. This variant is not present in population databases (ExAC no frequency). This variant has not been reported in the literature in individuals affected with RAD50-related conditions. Algorithms developed to predict the effect of missense changes on protein structure and function are either unavailable or do not agree on the potential impact of this missense change (SIFT: "Deleterious"; PolyPhen-2: "Probably Damaging"; Align-GVGD: "Class C0"). This sequence change replaces threonine with proline at codon 32 of the RAD50 protein (p.Thr32Pro). The threonine residue is highly conserved and there is a small physicochemical difference between threonine and proline.